The following is an entry in ClinVar:

ClinVar aggregate classification (germline): Likely benign. Review status: criteria provided, single submitter (1 of 4 stars). 2 submissions from 1 submitter: Likely benign (2). Last evaluated 2018-01-13.

Conditions:
Susceptibility to mononeuropathy of the median nerve, mild. Also called: CARPAL TUNNEL SYNDROME, SUSCEPTIBILITY TO. Identifiers: MedGen C3150596, MONDO:0013237, OMIM 613353.
Charcot-Marie-Tooth disease type 4C (CMT4C). Also called: CHARCOT-MARIE-TOOTH DISEASE, DEMYELINATING, AUTOSOMAL RECESSIVE, TYPE 4C; CMT 4C; Charcot-Marie-Tooth Neuropathy Type 4C (CMT4C); CHARCOT-MARIE-TOOTH DISEASE, DEMYELINATING, TYPE 4C; SH3TC2-Related Hereditary Motor and Sensory Neuropathy. Identifiers: Orphanet 99949, MedGen C1866636, MONDO:0011113, OMIM 601596.

Allele frequency attached by ClinVar (database versions not stated): 1000 Genomes Project 30x 0.00078; gnomAD 0.00096 and 0.00102; 1000 Genomes Project 0.00100; TOPMed 0.00103.
gnomAD v4.1: 158 of 152,222 alleles (0.1%); highest among the groups gnomAD compares: Middle Eastern, 1%; no homozygotes.

Submissions (2):

Illumina Laboratory Services, Illumina
Classification: Likely benign for Susceptibility to mononeuropathy of the median nerve, mild. Last evaluated: 2018-01-13. Review status: criteria provided, single submitter. Criteria: ICSL Variant Classification Criteria 13 December 2019. Collection method: clinical testing. Allele origin: germline.
Comment: This variant was observed in the ICSL laboratory as part of a predisposition screen in an ostensibly healthy population. It had not been previously curated by ICSL or reported in the Human Gene Mutation Database (HGMD: prior to June 1st, 2018), and was therefore a candidate for classification through an automated scoring system. Utilizing variant allele frequency, disease prevalence and penetrance estimates, and inheritance mode, an automated score was calculated to assess if this variant is too frequent to cause the disease. Based on the score and internal cut-off values, a variant classified as likely benign is not then subjected to further curation. The score for this variant resulted in a classification of likely benign for this disease.

Illumina Laboratory Services, Illumina
Classification: Likely benign for Charcot-Marie-Tooth disease type 4C. Last evaluated: 2018-01-13. Review status: criteria provided, single submitter. Criteria: ICSL Variant Classification Criteria 13 December 2019. Collection method: clinical testing. Allele origin: germline.
Comment: the same text as in the submission from Illumina Laboratory Services, Illumina above.

NM_024577.4(SH3TC2):c.*9361C>T

Gene: SH3TC2 (SH3 domain and tetratricopeptide repeats 2; minus strand). Cytogenetic location: 5q32.
Variant type: single nucleotide variant.
Coding change: c.*9361C>T on transcript NM_024577.4 (MANE Select); 9361 bases downstream of the stop codon, C replaced by T.
Molecular consequence: 3 prime UTR variant.
Genome position (GRCh38, 1-based): chr5:148,995,350, G>A on the plus strand (C>T on the coding strand, the complement: SH3TC2 is on the minus strand). VCF-style: chr5-148995350-G-A. GRCh37 (hg19) VCF-style: chr5-148374913-G-A.
Identifiers: ClinVar variation 351739 (VCV000351739.5), dbSNP rs573872364, ClinGen allele CA10623394.
Genomic context (GRCh38, chr5:148,995,350, plus strand): 5'-AATACTTTAAACCTTGATTCTATCACCTGAAAAGGGGAGATAAGGTCACCTTCTTTGGAG[G>A]ATCATTTGGAGGATCAAATCCTATACTGTGGGTAAATTACTTAGCACAACCATCATTACA-3'